The following is an entry in ClinVar:

ClinVar aggregate classification (germline): Uncertain significance (0 of 4 stars; one submission).

Conditions:
SPTBN1-related disorder. Also called: SPTBN1-related condition.

Submission:

PreventionGenetics, part of Exact Sciences
Classification: Uncertain significance for SPTBN1-related condition. Last evaluated: 2023-12-20. Review status: no assertion criteria provided. Collection method: clinical testing. Allele origin: germline.
Comment: The SPTBN1 c.400G>C variant is predicted to result in the amino acid substitution p.Gly134Arg. This variant was reported de novo in an individual from a large autism spectrum disorder cohort (Table S20, Fu et al. 2022. PubMed ID: 35982160). This variant has not been reported in a large population database, indicating this variant is rare. Although we suspect that this variant may be pathogenic, at this time, the clinical significance of this variant is uncertain due to the absence of conclusive functional and genetic evidence.

NM_003128.3(SPTBN1):c.400G>C (p.Gly134Arg)

Gene: SPTBN1 (spectrin beta, non-erythrocytic 1; plus strand). Cytogenetic location: 2p16.2.
Variant type: single nucleotide variant.
Coding change: c.400G>C on transcript NM_003128.3 (MANE Select); coding-DNA position 400, G replaced by C.
Protein change: p.Gly134Arg; replaces glycine 134 with arginine.
Molecular consequence: missense variant.
Genome position (GRCh38, 1-based): chr2:54,612,260, G>C. VCF-style: chr2-54612260-G-C. GRCh37 (hg19) VCF-style: chr2-54839397-G-C.
Other names: c.361G>C, p.Gly121Arg (NM_178313.3); short protein forms G121R, G134R.
Identifiers: ClinVar variation 3033566 (VCV003033566.2), dbSNP rs1037594763, ClinGen allele CA47479721.